The following is an entry in ClinVar:

ClinVar aggregate classification (germline): Likely benign (1 of 4 stars; one submission).

Conditions:
EPHX1-related disorder. Also called: EPHX1-related condition.

Submission:

PreventionGenetics, part of Exact Sciences
Classification: Likely benign for EPHX1-related condition. Last evaluated: 2026-03-11. Review status: criteria provided, single submitter. Criteria: ACMG Guidelines, 2015. Collection method: clinical testing. Allele origin: germline.
Comment: This variant is classified as likely benign based on ACMG/AMP sequence variant interpretation guidelines (Richards et al. 2015 PMID: 25741868, with internal and published modifications).

NM_001136018.4(EPHX1):c.928G>A (p.Val310Ile)

Gene: EPHX1 (epoxide hydrolase 1; plus strand). Cytogenetic location: 1q42.12.
Variant type: single nucleotide variant.
Coding change: c.928G>A on transcript NM_001136018.4 (MANE Select); coding-DNA position 928, G replaced by A.
Protein change: p.Val310Ile; replaces valine 310 with isoleucine.
Molecular consequence: missense variant. On other transcripts: non-coding transcript variant (3), intron variant (1).
Genome position (GRCh38, 1-based): chr1:225,840,034, G>A. VCF-style: chr1-225840034-G-A. GRCh37 (hg19) VCF-style: chr1-226027735-G-A.
Other names: c.928G>A, p.Val310Ile (NM_000120.4, NM_001291163.2, NM_001378426.1 and 3 more transcripts); c.901G>A, p.Val301Ile (NM_001378428.1); c.700G>A, p.Val234Ile (NM_001378431.1); c.365-2332G>A (NM_001378432.1); short protein forms V301I, V234I, V310I.
Identifiers: ClinVar variation 4980640 (VCV004980640.1).